The following is an entry in ClinVar:

ClinVar aggregate classification (germline): Uncertain significance. Review status: criteria provided, multiple submitters, no conflicts (2 of 4 stars). 3 submissions from 3 submitters: Uncertain significance (3). Last evaluated 2026-01-18.

Conditions:
GUCY2D-related disorder. Also called: GUCY2D-related condition.
Leber congenital amaurosis 1 (LCA1). Also called: AMAUROSIS CONGENITA OF LEBER I; Congenital absence of the rods and cones; Leber's congenital tapetoretinal degeneration; Leber's congenital tapetoretinal dysplasia; RETINAL BLINDNESS, CONGENITAL. Identifiers: Orphanet 65, MedGen C2931258, MONDO:0008764, OMIM 204000.
Cone-rod dystrophy 6 (CORD6). Also called: Cone dystrophy progressive; RETINAL CONE DYSTROPHY 2. Identifiers: Orphanet 1872, MedGen C1866293, MONDO:0011143, OMIM 601777.

Allele frequency attached by ClinVar (database versions not stated): TOPMed 0.00003.
gnomAD v4.1: 50 of 1,613,978 alleles (0.0031%); highest among the groups gnomAD compares: African/African-American, 0.013%; no homozygotes.

Submissions (3):

Labcorp Genetics (formerly Invitae), Labcorp
Classification: Uncertain significance for Leber congenital amaurosis 1; Cone-rod dystrophy 6. Last evaluated: 2026-01-18. Review status: criteria provided, single submitter. Criteria: Invitae Variant Classification Sherloc (09022015). Collection method: clinical testing. Allele origin: germline.
Comment: This sequence change replaces arginine, which is basic and polar, with tryptophan, which is neutral and slightly polar, at codon 602 of the GUCY2D protein (p.Arg602Trp). This variant is present in population databases (rs770740012, gnomAD 0.02%). This variant has not been reported in the literature in individuals affected with GUCY2D-related conditions. ClinVar contains an entry for this variant (Variation ID: 1006188). Invitae Evidence Modeling of protein sequence and biophysical properties (such as structural, functional, and spatial information, amino acid conservation, physicochemical variation, residue mobility, and thermodynamic stability) indicates that this missense variant is not expected to disrupt GUCY2D protein function with a negative predictive value of 80%. In summary, the available evidence is currently insufficient to determine the role of this variant in disease. Therefore, it has been classified as a Variant of Uncertain Significance.

PreventionGenetics, part of Exact Sciences
Classification: Uncertain significance for GUCY2D-related condition. Last evaluated: 2025-01-31. Review status: criteria provided, single submitter. Criteria: ACMG Guidelines, 2015. Collection method: clinical testing. Allele origin: germline.
Comment: The GUCY2D c.1804C>T variant is predicted to result in the amino acid substitution p.Arg602Trp. To our knowledge, this variant has not been reported in the literature. This variant is reported in 0.019% of alleles in individuals of African descent in gnomAD. At this time, the clinical significance of this variant is uncertain due to the absence of conclusive functional and genetic evidence.

GeneDx
Classification: Uncertain significance. Last evaluated: 2022-05-26. Review status: criteria provided, single submitter. Criteria: GeneDx Variant Classification Process June 2021. Collection method: clinical testing. Allele origin: germline. Affected: yes.
Comment: In silico analysis supports that this missense variant does not alter protein structure/function; Has not been previously published as pathogenic or benign to our knowledge

NM_000180.4(GUCY2D):c.1804C>T (p.Arg602Trp)

Gene: GUCY2D (guanylate cyclase 2D, retinal; plus strand). Cytogenetic location: 17p13.1.
Variant type: single nucleotide variant.
Coding change: c.1804C>T on transcript NM_000180.4 (MANE Select); coding-DNA position 1804, C replaced by T.
Protein change: p.Arg602Trp; replaces arginine 602 with tryptophan.
Molecular consequence: missense variant.
Genome position (GRCh38, 1-based): chr17:8,012,198, C>T. VCF-style: chr17-8012198-C-T. GRCh37 (hg19) VCF-style: chr17-7915516-C-T.
Other names: short protein forms R602W.
Identifiers: ClinVar variation 1006188 (VCV001006188.10), dbSNP rs770740012, ClinGen allele CA8365903.